The following is an entry in ClinVar:

ClinVar aggregate classification (germline): Uncertain significance. Review status: criteria provided, multiple submitters, no conflicts (2 of 4 stars). 2 submissions from 2 submitters: Uncertain significance (2). Last evaluated 2025-08-27.

Conditions:
Hereditary cancer-predisposing syndrome. Also called: Tumor predisposition; Neoplastic Syndromes, Hereditary; Hereditary Cancer Syndrome; Hereditary neoplastic syndrome. Identifiers: Orphanet 140162, MedGen C0027672, MeSH D009386, MONDO:0015356.
Familial adenomatous polyposis 2. Also called: Adenomas, multiple colorectal; MYH-associated polyposis; COLORECTAL ADENOMATOUS POLYPOSIS, AUTOSOMAL RECESSIVE; ADENOMAS, MULTIPLE COLORECTAL, AUTOSOMAL RECESSIVE; FAP type 2; MUTYH Polyposis. Identifiers: Orphanet 220460, Orphanet 247798, MedGen C3272841, MONDO:0012041, OMIM 608456.

Submissions (2):

Ambry Genetics
Classification: Uncertain significance for Hereditary cancer-predisposing syndrome. Last evaluated: 2025-08-27. Review status: criteria provided, single submitter. Criteria: Ambry Variant Classification Scheme 2023. Collection method: clinical testing. Allele origin: germline.
Comment: The p.Q209K variant (also known as c.625C>A), located in coding exon 8 of the MUTYH gene, results from a C to A substitution at nucleotide position 625. The glutamine at codon 209 is replaced by lysine, an amino acid with similar properties. This amino acid position is conserved. In addition, the in silico prediction for this alteration is inconclusive. Based on the available evidence, the clinical significance of this variant remains unclear.

Labcorp Genetics (formerly Invitae), Labcorp
Classification: Uncertain significance for Familial adenomatous polyposis 2. Last evaluated: 2021-07-26. Review status: criteria provided, single submitter. Criteria: Invitae Variant Classification Sherloc (09022015). Collection method: clinical testing. Allele origin: germline.
Comment: This variant is not present in population databases (ExAC no frequency). This sequence change replaces glutamine with lysine at codon 209 of the MUTYH protein (p.Gln209Lys). The glutamine residue is highly conserved and there is a small physicochemical difference between glutamine and lysine. This variant has not been reported in the literature in individuals affected with MUTYH-related conditions. In summary, the available evidence is currently insufficient to determine the role of this variant in disease. Therefore, it has been classified as a Variant of Uncertain Significance. Algorithms developed to predict the effect of missense changes on protein structure and function (SIFT, PolyPhen-2, Align-GVGD) all suggest that this variant is likely to be tolerated.

NM_001048174.2(MUTYH):c.541C>A (p.Gln181Lys)

Gene: MUTYH (mutY DNA glycosylase; minus strand). Cytogenetic location: 1p34.1.
Variant type: single nucleotide variant.
Coding change: c.541C>A on transcript NM_001048174.2 (MANE Select); coding-DNA position 541, C replaced by A.
Protein change: p.Gln181Lys; replaces glutamine 181 with lysine.
Molecular consequence: missense variant. On other transcripts: non-coding transcript variant (2).
Genome position (GRCh38, 1-based): chr1:45,332,639, G>T on the plus strand (C>A on the coding strand, the complement: MUTYH is on the minus strand). VCF-style: chr1-45332639-G-T. GRCh37 (hg19) VCF-style: chr1-45798311-G-T.
Other names: c.541C>A, p.Gln181Lys (NM_001048171.2, NM_001048173.2, NM_001293195.2); c.544C>A, p.Gln182Lys (NM_001048172.2); c.625C>A, p.Gln209Lys (NM_001128425.2); c.586C>A, p.Gln196Lys (NM_001293190.2); c.574C>A, p.Gln192Lys (NM_001293191.2); c.265C>A, p.Gln89Lys (NM_001293192.2, NM_001293196.2); c.196C>A, p.Gln66Lys (NM_001350650.2, NM_001350651.2); c.616C>A, p.Gln206Lys (NM_012222.3); and 1 more; short protein forms Q206K, Q181K, Q182K, Q192K, Q196K, Q209K, Q66K, Q89K.
Identifiers: ClinVar variation 1369788 (VCV001369788.9), dbSNP rs2149151527, ClinGen allele CA340135379.